The following is an entry in ClinVar:

ClinVar aggregate classification (germline): Uncertain significance (1 of 4 stars; one submission).

Allele frequency attached by ClinVar (database versions not stated): gnomAD exomes below 0.00001; TOPMed below 0.00001.
gnomAD v4.1: 2 of 1,613,828 alleles (0.00012%); highest among the groups gnomAD compares: Non-Finnish European, 0.00017%; no homozygotes.

Submission:

Labcorp Genetics (formerly Invitae), Labcorp
Classification: Uncertain significance. Last evaluated: 2022-02-26. Review status: criteria provided, single submitter. Criteria: Invitae Variant Classification Sherloc (09022015). Collection method: clinical testing. Allele origin: germline.
Comment: In summary, the available evidence is currently insufficient to determine the role of this variant in disease. Therefore, it has been classified as a Variant of Uncertain Significance. Algorithms developed to predict the effect of missense changes on protein structure and function (SIFT, PolyPhen-2, Align-GVGD) all suggest that this variant is likely to be tolerated. This variant has not been reported in the literature in individuals affected with SLC51B-related conditions. This variant is not present in population databases (gnomAD no frequency). This sequence change replaces alanine, which is neutral and non-polar, with threonine, which is neutral and polar, at codon 45 of the SLC51B protein (p.Ala45Thr).

NM_178859.4(SLC51B):c.133G>A (p.Ala45Thr)

Genes: RASL12 (RAS like family 12; minus strand), SLC51B (SLC51 subunit beta; plus strand). Cytogenetic location: 15q22.31.
Variant type: single nucleotide variant.
Coding change: c.133G>A on transcript NM_178859.4 (MANE Select); coding-DNA position 133, G replaced by A.
Protein change: p.Ala45Thr; replaces alanine 45 with threonine.
Molecular consequence: missense variant.
Genome position (GRCh38, 1-based): chr15:65,051,550, G>A. VCF-style: chr15-65051550-G-A. GRCh37 (hg19) VCF-style: chr15-65343888-G-A.
Other names: short protein forms A45T.
Identifiers: ClinVar variation 2103709 (VCV002103709.4), dbSNP rs746910606, ClinGen allele CA392841983.